The following is an entry in ClinVar:

ClinVar aggregate classification (germline): Uncertain significance (1 of 4 stars; one submission).

Conditions:
Developmental and epileptic encephalopathy, 30 (DEE30). Also called: Epileptic encephalopathy, early infantile, 30. Identifiers: MedGen C4225360, MONDO:0014595, OMIM 616341.

Allele frequency attached by ClinVar (database versions not stated): ExAC 0.00001.

Submission:

Labcorp Genetics (formerly Invitae), Labcorp
Classification: Uncertain significance for Developmental and epileptic encephalopathy, 30. Last evaluated: 2023-09-29. Review status: criteria provided, single submitter. Criteria: Invitae Variant Classification Sherloc (09022015). Collection method: clinical testing. Allele origin: germline.
Comment: This sequence change replaces lysine, which is basic and polar, with glutamic acid, which is acidic and polar, at codon 70 of the SIK1 protein (p.Lys70Glu). In summary, the available evidence is currently insufficient to determine the role of this variant in disease. Therefore, it has been classified as a Variant of Uncertain Significance. An algorithm developed to predict the effect of missense changes on protein structure and function (PolyPhen-2) suggests that this variant is likely to be disruptive. This variant has not been reported in the literature in individuals affected with SIK1-related conditions. This variant is not present in population databases (gnomAD no frequency).

NM_173354.5(SIK1):c.208A>G (p.Lys70Glu)

Gene: SIK1 (salt inducible kinase 1; minus strand). Cytogenetic location: 21q22.3.
Variant type: single nucleotide variant.
Coding change: c.208A>G on transcript NM_173354.5 (MANE Select); coding-DNA position 208, A replaced by G.
Protein change: p.Lys70Glu; replaces lysine 70 with glutamic acid.
Molecular consequence: missense variant.
Genome position (GRCh38, 1-based): chr21:43,425,472, T>C on the plus strand (A>G on the coding strand, the complement: SIK1 is on the minus strand). VCF-style: chr21-43425472-T-C. GRCh37 (hg19) VCF-style: chr21-44845352-T-C.
Other names: short protein forms K70E.
Identifiers: ClinVar variation 2742836 (VCV002742836.3), dbSNP rs747722905, ClinGen allele CA321329843.
Genomic context (GRCh38, chr21:43,425,472, plus strand): 5'-AAAGCTTTATGATGTGTGGATGGTTCAGAAGCTTCATCAGCTGAACCTCACGATAGATTT[T>C]CTCCAAATTGCTTGAATCTAATCGTGTTTTATCAATTATTTTTATTGCAACCTACAAATT-3'
Protein context (NP_775490.2, residues 60-80): KTRLDSSNLE[Lys70Glu]IYREVQLMKL